The following is an entry in ClinVar:

ClinVar aggregate classification (germline): Likely benign (0 of 4 stars; one submission).

Conditions:
CSMD3-related disorder. Also called: CSMD3-related condition.

Allele frequency attached by ClinVar (database versions not stated): 1000 Genomes Project 0.00020; 1000 Genomes Project 30x 0.00031; ESP Exome Variant Server 0.00038; TOPMed 0.00051; ExAC 0.00081.
gnomAD v4.1: 1,040 of 1,613,814 alleles (0.064%); highest among the groups gnomAD compares: Middle Eastern, 1.1%; 5 homozygotes.

Submission:

PreventionGenetics, part of Exact Sciences
Classification: Likely benign for CSMD3-related condition. Last evaluated: 2019-04-26. Review status: no assertion criteria provided. Collection method: clinical testing. Allele origin: germline.
Comment: This variant is classified as likely benign based on ACMG/AMP sequence variant interpretation guidelines (Richards et al. 2015 PMID: 25741868, with internal and published modifications).

NM_198123.2(CSMD3):c.7071C>T (p.Thr2357=)

Gene: CSMD3 (CUB and Sushi multiple domains 3; minus strand). Cytogenetic location: 8q23.3.
Variant type: single nucleotide variant.
Coding change: c.7071C>T on transcript NM_198123.2 (MANE Select); coding-DNA position 7071, C replaced by T.
Protein change: p.Thr2357=; no amino-acid change (threonine 2357 retained).
Molecular consequence: synonymous variant.
Genome position (GRCh38, 1-based): chr8:112,335,423, G>A on the plus strand (C>T on the coding strand, the complement: CSMD3 is on the minus strand). VCF-style: chr8-112335423-G-A. GRCh37 (hg19) VCF-style: chr8-113347652-G-A.
Other names: c.6471C>T, p.Thr2157= (NM_001363185.1); c.6759C>T, p.Thr2253= (NM_052900.3); c.6951C>T, p.Thr2317= (NM_198124.2).
Identifiers: ClinVar variation 3034425 (VCV003034425.2), dbSNP rs113449703, ClinGen allele CA4849389.